The following is an entry in ClinVar:

NM_003924.4(PHOX2B):c.800G>C (p.Gly267Ala)

Gene: PHOX2B (paired like homeobox 2B; minus strand). Cytogenetic location: 4p13.
Variant type: single nucleotide variant.
Coding change: c.800G>C on transcript NM_003924.4 (MANE Select); coding-DNA position 800, G replaced by C.
Protein change: p.Gly267Ala; replaces glycine 267 with alanine.
Molecular consequence: missense variant.
Genome position (GRCh38, 1-based): chr4:41,745,952, C>G on the plus strand (G>C on the coding strand, the complement: PHOX2B is on the minus strand). VCF-style: chr4-41745952-C-G. GRCh37 (hg19) VCF-style: chr4-41747969-C-G.
Other names: short protein forms G267A.
Identifiers: ClinVar variation 1761637 (VCV001761637.2), dbSNP rs2552096791, ClinGen allele CA356737115.

ClinVar aggregate classification (germline): Uncertain significance (1 of 4 stars; one submission).

Conditions:
Hereditary cancer-predisposing syndrome. Also called: Neoplastic Syndromes, Hereditary; Tumor predisposition; Hereditary Cancer Syndrome; Hereditary neoplastic syndrome. Identifiers: Orphanet 140162, MedGen C0027672, MeSH D009386, MONDO:0015356.

Submission:

Ambry Genetics
Classification: Uncertain significance for Hereditary cancer-predisposing syndrome. Last evaluated: 2022-04-21. Review status: criteria provided, single submitter. Criteria: Ambry Variant Classification Scheme 2023. Collection method: clinical testing. Allele origin: germline.
Comment: The p.G267A variant (also known as c.800G>C), located in coding exon 3 of the PHOX2B gene, results from a G to C substitution at nucleotide position 800. The glycine at codon 267 is replaced by alanine, an amino acid with similar properties. This amino acid position is highly conserved in available vertebrate species. In addition, this alteration is predicted to be tolerated by in silico analysis. Since supporting evidence is limited at this time, the clinical significance of this alteration remains unclear.